The following is an entry in ClinVar:

ClinVar aggregate classification (germline): Uncertain significance (1 of 4 stars; one submission).

gnomAD v4.1: 1 of 1,614,164 alleles (0.000062%); highest among the groups gnomAD compares: Non-Finnish European, 0.000085%; no homozygotes.

Submission:

Ambry Genetics
Classification: Uncertain significance. Last evaluated: 2026-07-18. Review status: criteria provided, single submitter. Criteria: Ambry Variant Classification Scheme 2023. Collection method: clinical testing. Allele origin: germline.
Comment: The p.S306I variant (also known as c.917G>T), located in coding exon 1 of the CDK12 gene, results from a G to T substitution at nucleotide position 917. The serine at codon 306 is replaced by isoleucine, an amino acid with dissimilar properties. This amino acid position is conserved. In addition, this alteration is predicted to be tolerated by in silico analysis. Based on the available evidence, the clinical significance of this variant remains unclear.

NM_016507.4(CDK12):c.917G>T (p.Ser306Ile)

Genes: CDK12 (cyclin dependent kinase 12; plus strand), LOC126862553 (CDK7 strongly-dependent group 2 enhancer GRCh37_chr17:37618166-37619365; plus strand). Cytogenetic location: 17q12.
Variant type: single nucleotide variant.
Coding change: c.917G>T on transcript NM_016507.4 (MANE Select); coding-DNA position 917, G replaced by T.
Protein change: p.Ser306Ile; replaces serine 306 with isoleucine.
Molecular consequence: missense variant.
Genome position (GRCh38, 1-based): chr17:39,462,988, G>T. VCF-style: chr17-39462988-G-T. GRCh37 (hg19) VCF-style: chr17-37619241-G-T.
Other names: c.917G>T, p.Ser306Ile (NM_015083.4); short protein forms S306I.
Identifiers: ClinVar variation 5034101 (VCV005034101.1).